The following is an entry in ClinVar:

NM_033515.3(ARHGAP18):c.1113T>C (p.Ile371=)

Gene: ARHGAP18 (Rho GTPase activating protein 18; minus strand). Cytogenetic location: 6q22.33.
Variant type: single nucleotide variant.
Coding change: c.1113T>C on transcript NM_033515.3 (MANE Select); coding-DNA position 1113, T replaced by C.
Protein change: p.Ile371=; no amino-acid change (isoleucine 371 retained).
Molecular consequence: synonymous variant.
Genome position (GRCh38, 1-based): chr6:129,611,542, A>G on the plus strand (T>C on the coding strand, the complement: ARHGAP18 is on the minus strand). VCF-style: chr6-129611542-A-G. GRCh37 (hg19) VCF-style: chr6-129932687-A-G.
Identifiers: ClinVar variation 2656908 (VCV002656908.24), dbSNP rs1240814373, ClinGen allele CA451927717.

ClinVar aggregate classification (germline): Likely benign (1 of 4 stars; one submission).

Allele frequency attached by ClinVar (database versions not stated): gnomAD exomes below 0.00001; TOPMed below 0.00001; gnomAD 0.00001.
gnomAD v4.1: 2 of 1,613,540 alleles (0.00012%); highest among the groups gnomAD compares: Non-Finnish European, 0.00017%; no homozygotes.

Submission:

CeGaT Center for Human Genetics Tuebingen
Classification: Likely benign. Last evaluated: 2022-12-01. Review status: criteria provided, single submitter. Criteria: CeGaT Center For Human Genetics Tuebingen Variant Classification Criteria Version 2. Collection method: clinical testing. Allele origin: germline. Affected: yes. Observed: 1 variant allele.
Comment: ARHGAP18: BP4, BP7